The following is an entry in ClinVar:

NM_000256.3(MYBPC3):c.3286_3288delinsAAA (p.Glu1096Lys)

Gene: MYBPC3 (myosin binding protein C3; minus strand). Cytogenetic location: 11p11.2.
Variant type: Indel.
Coding change: c.3286_3288delinsAAA on transcript NM_000256.3 (MANE Select); coding-DNA positions 3286 to 3288, GAG replaced by AAA.
Protein change: p.Glu1096Lys; replaces glutamic acid 1096 with lysine.
Molecular consequence: missense variant.
Genome position (GRCh38, 1-based): chr11:47,333,236-47,333,238, CTC replaced by TTT on the plus strand (GAG replaced by AAA on the coding strand, the reverse complement: MYBPC3 is on the minus strand). VCF-style: chr11-47333236-CTC-TTT. GRCh37 (hg19) VCF-style: chr11-47354787-CTC-TTT.
Other names: short protein forms E1096K.
Identifiers: ClinVar variation 4975507 (VCV004975507.2).

ClinVar aggregate classification (germline): Uncertain significance (1 of 4 stars; one submission).

Submission:

GeneDx
Classification: Uncertain significance. Last evaluated: 2026-10-12. Review status: criteria provided, single submitter. Criteria: GeneDx Variant Classification Process June 2021. Collection method: clinical testing. Allele origin: germline.
Comment: Not observed at significant frequency in large population cohorts (gnomAD); In silico analysis supports a deleterious effect on protein structure/function; Has not been previously published as pathogenic or benign to our knowledge